The following is an entry in ClinVar:

ClinVar aggregate classification (germline): Uncertain significance (1 of 4 stars; one submission).

Conditions:
Megalencephalic leukoencephalopathy with subcortical cysts 2B, remitting, with or without impaired intellectual development. Also called: Megalencephalic leukoencephalopathy with subcortical cysts 2B, remitting, with or without intellectual disability. Identifiers: Orphanet 2478, MedGen C3151356, MONDO:0013491, OMIM 613926.

Submission:

Foundation for Research in Genetics and Endocrinology, FRIGE's Institute of Human Genetics
Classification: Uncertain significance for Megalencephalic leukoencephalopathy with subcortical cysts 2B, remitting, with or without impaired intellectual development. Last evaluated: 2023-07-17. Review status: criteria provided, single submitter. Criteria: ACMG Guidelines, 2015. Collection method: clinical testing. Allele origin: germline. Inheritance: Autosomal dominant inheritance. Affected: yes. Observed: 1 heterozygote.
Comment: A heterozygous missense variant in Exon 4 of the HEPACAM gene that results in the amino acid substitution of Leucine for Valine at codon 257 (p.Val257Leu) was detected. The p.Val257Leu variant has not been reported in the 1000 genomes, gnomAD (v3.1), gnomdAD (v2) and topmed databases. The in silico predictions of the variant are possibly damaging by PolyPhen-2 (HumDiv) and damaging by SIFT and LRT. The reference codon is conserved across species. In summary, the variant meets our criteria to be classified as a variant of uncertain significance.

NM_152722.5(HEPACAM):c.769G>C (p.Val257Leu)

Gene: HEPACAM (hepatic and glial cell adhesion molecule; minus strand). Cytogenetic location: 11q24.2.
Variant type: single nucleotide variant.
Coding change: c.769G>C on transcript NM_152722.5 (MANE Select); coding-DNA position 769, G replaced by C.
Protein change: p.Val257Leu; replaces valine 257 with leucine.
Molecular consequence: missense variant.
Genome position (GRCh38, 1-based): chr11:124,923,374, C>G on the plus strand (G>C on the coding strand, the complement: HEPACAM is on the minus strand). VCF-style: chr11-124923374-C-G. GRCh37 (hg19) VCF-style: chr11-124793270-C-G.
Other names: p.Val257Leu; c.769G>C, p.Val257Leu (NM_001411043.1); short protein forms V257L.
Identifiers: ClinVar variation 2572972 (VCV002572972.2), dbSNP rs763597910, ClinGen allele CA383140249.